The following is an entry in ClinVar:

ClinVar aggregate classification (germline): Uncertain significance (1 of 4 stars; one submission).

Conditions:
Gorlin syndrome. Also called: Nevoid Basal Cell Carcinoma Syndrome; Basal cell nevus syndrome. Identifiers: Orphanet 377, MedGen C0004779, MONDO:0007187.

Allele frequency attached by ClinVar (database versions not stated): gnomAD exomes 0.00001 and 0.00004; TOPMed 0.00001; gnomAD 0.00002; ExAC 0.00004.

Submission:

Labcorp Genetics (formerly Invitae), Labcorp
Classification: Uncertain significance for Gorlin syndrome. Last evaluated: 2023-03-13. Review status: criteria provided, single submitter. Criteria: Invitae Variant Classification Sherloc (09022015). Collection method: clinical testing. Allele origin: germline.
Comment: In summary, the available evidence is currently insufficient to determine the role of this variant in disease. Therefore, it has been classified as a Variant of Uncertain Significance. Advanced modeling of protein sequence and biophysical properties (such as structural, functional, and spatial information, amino acid conservation, physicochemical variation, residue mobility, and thermodynamic stability) performed at Invitae indicates that this missense variant is not expected to disrupt PTCH2 protein function. ClinVar contains an entry for this variant (Variation ID: 1416995). This variant has not been reported in the literature in individuals affected with PTCH2-related conditions. This variant is present in population databases (rs777213605, gnomAD 0.006%). This sequence change replaces threonine, which is neutral and polar, with alanine, which is neutral and non-polar, at codon 498 of the PTCH2 protein (p.Thr498Ala).

NM_003738.5(PTCH2):c.1492A>G (p.Thr498Ala)

Gene: PTCH2 (patched 2; minus strand). Cytogenetic location: 1p34.1.
Variant type: single nucleotide variant.
Coding change: c.1492A>G on transcript NM_003738.5 (MANE Select); coding-DNA position 1492, A replaced by G.
Protein change: p.Thr498Ala; replaces threonine 498 with alanine.
Molecular consequence: missense variant.
Genome position (GRCh38, 1-based): chr1:44,828,604, T>C on the plus strand (A>G on the coding strand, the complement: PTCH2 is on the minus strand). VCF-style: chr1-44828604-T-C. GRCh37 (hg19) VCF-style: chr1-45294276-T-C.
Other names: c.1492A>G, p.Thr498Ala (NM_001166292.2); short protein forms T498A.
Identifiers: ClinVar variation 1416995 (VCV001416995.8), dbSNP rs777213605, ClinGen allele CA823288.